The following is an entry in ClinVar:

ClinVar aggregate classification (germline): Likely benign. Review status: criteria provided, single submitter (1 of 4 stars). 3 submissions from 2 submitters: Likely benign (1). 2 of the submissions do not count toward it. Last evaluated 2018-06-30.

Conditions:
Tuberous sclerosis syndrome (TSC). Also called: Tuberous Sclerosis Complex; Tuberous sclerosis. Identifiers: Orphanet 805, MedGen C0041341, MONDO:0001734.

Submissions (3):

GeneDx
Classification: Likely benign. Last evaluated: 2018-06-30. Review status: criteria provided, single submitter. Criteria: GeneDx Variant Classification Process June 2021. Collection method: clinical testing. Allele origin: germline. Affected: yes.

Tuberous sclerosis database (TSC2)
No classification provided. Condition: TSC. Review status: no classification provided. Criteria: Tuberous Sclerosis Database Assertion Criteria 2015. Collection method: curation. Allele origin: germline. Affected: yes. Not counted in ClinVar's aggregate classification.

Tuberous sclerosis database (TSC2)
No classification provided. Condition: TSC. Review status: flagged submission. Criteria: Tuberous Sclerosis Database Assertion Criteria 2015. Collection method: curation. Allele origin: germline. Affected: yes. Not counted in ClinVar's aggregate classification.
ClinVar note: Reason: This record appears to be redundant with a more recent record from the same submitter.
ClinVar note: Notes: SCV000066722 appears to be redundant with SCV000066723.

NM_000548.5(TSC2):c.*55TAAA[1]

Gene: TSC2 (TSC complex subunit 2; plus strand). Cytogenetic location: 16p13.3.
Variant type: Microsatellite.
Coding change: c.*55TAAA[1] on transcript NM_000548.5 (MANE Select); one copy of the 4-base unit TAAA starting at c.*55; the reference has two copies in a row; one copy, 4 bases deleted.
Molecular consequence: 3 prime UTR variant.
Genome position (GRCh38, 1-based): chr16:2,088,669-2,088,672, TAAA deleted; deleting any 4 consecutive bases within chr16:2,088,662-2,088,672 gives the same sequence; the position shown is the placement nearest the transcript's 3' end. VCF-style (leftmost placement, unchanged base first): chr16-2088661-GAAAT-G. GRCh37 (hg19) VCF-style: chr16-2138662-GAAAT-G.
Other names: c.*55TAAA[1] (NM_001077183.3, NM_001114382.3, NM_001318827.2 and 7 more transcripts).
Identifiers: ClinVar variation 49664 (VCV000049664.7), dbSNP rs137854184, ClinGen allele CA022579.